The following is an entry in ClinVar:

ClinVar aggregate classification (germline): Uncertain significance (1 of 4 stars; one submission).

Submission:

Labcorp Genetics (formerly Invitae), Labcorp
Classification: Uncertain significance. Last evaluated: 2025-06-12. Review status: criteria provided, single submitter. Criteria: Invitae Variant Classification Sherloc (09022015). Collection method: clinical testing. Allele origin: germline.
Comment: This sequence change replaces alanine, which is neutral and non-polar, with proline, which is neutral and non-polar, at codon 860 of the COL2A1 protein (p.Ala860Pro). This variant is not present in population databases (gnomAD no frequency). This variant has not been reported in the literature in individuals affected with COL2A1-related conditions. ClinVar contains an entry for this variant (Variation ID: 3662651). Invitae Evidence Modeling of protein sequence and biophysical properties (such as structural, functional, and spatial information, amino acid conservation, physicochemical variation, residue mobility, and thermodynamic stability) indicates that this missense variant is not expected to disrupt COL2A1 protein function with a negative predictive value of 95%. In summary, the available evidence is currently insufficient to determine the role of this variant in disease. Therefore, it has been classified as a Variant of Uncertain Significance.

NM_001844.5(COL2A1):c.2578G>C (p.Ala860Pro)

Gene: COL2A1 (collagen type II alpha 1 chain; minus strand). Cytogenetic location: 12q13.11.
Variant type: single nucleotide variant.
Coding change: c.2578G>C on transcript NM_001844.5 (MANE Select); coding-DNA position 2578, G replaced by C.
Protein change: p.Ala860Pro; replaces alanine 860 with proline.
Molecular consequence: missense variant.
Genome position (GRCh38, 1-based): chr12:47,980,601, C>G on the plus strand (G>C on the coding strand, the complement: COL2A1 is on the minus strand). VCF-style: chr12-47980601-C-G. GRCh37 (hg19) VCF-style: chr12-48374384-C-G.
Other names: c.2371G>C, p.Ala791Pro (NM_033150.3); short protein forms A791P, A860P.
Identifiers: ClinVar variation 3662651 (VCV003662651.2).